The following is an entry in ClinVar:

NM_001048174.2(MUTYH):c.1184A>G (p.Glu395Gly)

Gene: MUTYH (mutY DNA glycosylase; minus strand). Cytogenetic location: 1p34.1.
Variant type: single nucleotide variant.
Coding change: c.1184A>G on transcript NM_001048174.2 (MANE Select); coding-DNA position 1184, A replaced by G.
Protein change: p.Glu395Gly; replaces glutamic acid 395 with glycine.
Molecular consequence: missense variant. On other transcripts: non-coding transcript variant (2).
Genome position (GRCh38, 1-based): chr1:45,331,475, T>C on the plus strand (A>G on the coding strand, the complement: MUTYH is on the minus strand). VCF-style: chr1-45331475-T-C. GRCh37 (hg19) VCF-style: chr1-45797147-T-C.
Other names: c.1184A>G, p.Glu395Gly (NM_001048171.2, NM_001048173.2, NM_001293195.2); c.1187A>G, p.Glu396Gly (NM_001048172.2); c.1268A>G, p.Glu423Gly (NM_001128425.2); c.1229A>G, p.Glu410Gly (NM_001293190.2); c.1217A>G, p.Glu406Gly (NM_001293191.2); c.908A>G, p.Glu303Gly (NM_001293192.2, NM_001293196.2); c.839A>G, p.Glu280Gly (NM_001350650.2, NM_001350651.2); c.1259A>G, p.Glu420Gly (NM_012222.3); short protein forms E423G, E406G, E410G, E420G, E280G, E396G, E303G, E395G.
Identifiers: ClinVar variation 464683 (VCV000464683.8), dbSNP rs1553125769, ClinGen allele CA340132926.

ClinVar aggregate classification (germline): Uncertain significance (1 of 4 stars; one submission).

Conditions:
Familial adenomatous polyposis 2. Also called: COLORECTAL ADENOMATOUS POLYPOSIS, AUTOSOMAL RECESSIVE; ADENOMAS, MULTIPLE COLORECTAL, AUTOSOMAL RECESSIVE; MUTYH-associated polyposis; FAP type 2; MUTYH-related attenuated familial adenomatous polyposis; Adenomas, multiple colorectal. Identifiers: Orphanet 220460, Orphanet 247798, MedGen C3272841, MONDO:0012041, OMIM 608456.

Submission:

Labcorp Genetics (formerly Invitae), Labcorp
Classification: Uncertain significance for Familial adenomatous polyposis 2. Last evaluated: 2017-06-02. Review status: criteria provided, single submitter. Criteria: Invitae Variant Classification Sherloc (09022015). Collection method: clinical testing. Allele origin: germline.
Comment: Algorithms developed to predict the effect of missense changes on protein structure and function (SIFT, PolyPhen-2, Align-GVGD) all suggest that this variant is likely to be tolerated, but these predictions have not been confirmed by published functional studies and their clinical significance is uncertain. In summary, this variant has uncertain impact on MUTYH function. The available evidence is currently insufficient to determine its role in disease. Therefore, it has been classified as a Variant of Uncertain Significance. This variant has not been reported in the literature in individuals with a MUTYH-related disease. This variant is not present in population databases (ExAC no frequency). This sequence change replaces glutamic acid with glycine at codon 423 of the MUTYH protein (p.Glu423Gly). The glutamic acid residue is moderately conserved and there is a moderate physicochemical difference between glutamic acid and glycine.